The following is an entry in ClinVar:

ClinVar aggregate classification (germline): Conflicting classifications of pathogenicity. Review status: criteria provided, conflicting classifications (1 of 4 stars). 2 submissions from 2 submitters: Uncertain significance (1); Likely benign (1). Last evaluated 2023-09-04.

Conditions:
Peroxisome biogenesis disorder. Identifiers: Orphanet 79189, MedGen C1832200, MONDO:0019234. Disease mechanism: loss of function.

Allele frequency attached by ClinVar (database versions not stated): TOPMed below 0.00001; gnomAD exomes 0.00001.

Submissions (2):

Blueprint Genetics
Classification: Likely benign. Last evaluated: 2023-09-04. Review status: criteria provided, single submitter. Criteria: ACMG Guidelines, 2015. Collection method: clinical testing. Allele origin: germline.

Labcorp Genetics (formerly Invitae), Labcorp
Classification: Uncertain significance for Peroxisome biogenesis disorder. Last evaluated: 2022-07-19. Review status: criteria provided, single submitter. Criteria: Invitae Variant Classification Sherloc (09022015). Collection method: clinical testing. Allele origin: germline.
Comment: In summary, the available evidence is currently insufficient to determine the role of this variant in disease. Therefore, it has been classified as a Variant of Uncertain Significance. Variants that disrupt the consensus splice site are a relatively common cause of aberrant splicing (PMID: 17576681, 9536098). Algorithms developed to predict the effect of sequence changes on RNA splicing suggest that this variant is not likely to affect RNA splicing. This variant has not been reported in the literature in individuals affected with PEX6-related conditions. This variant is not present in population databases (gnomAD no frequency). This sequence change falls in intron 3 of the PEX6 gene. It does not directly change the encoded amino acid sequence of the PEX6 protein. It affects a nucleotide within the consensus splice site.

Literature cited by the submitters: PubMed 17576681 (cited by Labcorp Genetics (formerly Invitae), Labcorp); PubMed 9536098 (cited by Labcorp Genetics (formerly Invitae), Labcorp).

NM_000287.4(PEX6):c.1131-3C>A

Gene: PEX6 (peroxisomal biogenesis factor 6; minus strand). Cytogenetic location: 6p21.1.
Variant type: single nucleotide variant.
Coding change: c.1131-3C>A on transcript NM_000287.4 (MANE Select); 3 bases into the intron before coding-DNA position 1131, C replaced by A.
Molecular consequence: intron variant.
Genome position (GRCh38, 1-based): chr6:42,969,990, G>T on the plus strand (C>A on the coding strand, the complement: PEX6 is on the minus strand). VCF-style: chr6-42969990-G-T. GRCh37 (hg19) VCF-style: chr6-42937728-G-T.
Other names: c.867-3C>A (NM_001316313.2).
Identifiers: ClinVar variation 2180096 (VCV002180096.5), dbSNP rs934501990, ClinGen allele CA138228054.